The following is an entry in ClinVar:

NM_144670.6(A2ML1):c.785C>T (p.Ala262Val)

Gene: A2ML1 (alpha-2-macroglobulin like 1; plus strand). Cytogenetic location: 12p13.31.
Variant type: single nucleotide variant.
Coding change: c.785C>T on transcript NM_144670.6 (MANE Select); coding-DNA position 785, C replaced by T.
Protein change: p.Ala262Val; replaces alanine 262 with valine.
Molecular consequence: missense variant.
Genome position (GRCh38, 1-based): chr12:8,837,496, C>T. VCF-style: chr12-8837496-C-T. GRCh37 (hg19) VCF-style: chr12-8990092-C-T.
Other names: short protein forms A262V.
Identifiers: ClinVar variation 4773081 (VCV004773081.1).

ClinVar aggregate classification (germline): Uncertain significance (1 of 4 stars; one submission).

gnomAD v4.1: 2 of 1,614,032 alleles (0.00012%); highest among the groups gnomAD compares: Non-Finnish European, 0.00017%; no homozygotes.

Submission:

Labcorp Genetics (formerly Invitae), Labcorp
Classification: Uncertain significance. Last evaluated: 2025-04-11. Review status: criteria provided, single submitter. Criteria: Invitae Variant Classification Sherloc (09022015). Collection method: clinical testing. Allele origin: germline.
Comment: This sequence change replaces alanine, which is neutral and non-polar, with valine, which is neutral and non-polar, at codon 262 of the A2ML1 protein (p.Ala262Val). This variant is not present in population databases (gnomAD no frequency). This variant has not been reported in the literature in individuals affected with A2ML1-related conditions. An algorithm developed to predict the effect of missense changes on protein structure and function (PolyPhen-2) suggests that this variant is likely to be tolerated. In summary, the available evidence is currently insufficient to determine the role of this variant in disease. Therefore, it has been classified as a Variant of Uncertain Significance.